The following is an entry in ClinVar:

ClinVar aggregate classification (germline): Benign. Review status: criteria provided, multiple submitters, no conflicts (2 of 4 stars). 2 submissions from 2 submitters: Benign (2). Last evaluated 2018-01-12.

Conditions:
Autosomal recessive congenital ichthyosis 5 (ARCI5). Also called: Ichthyosis, nonlamellar and nonerythrodermic, congenital, autosomal recessive; ICHTHYOSIS CONGENITA III. Identifiers: Orphanet 313, MedGen C1858133, MONDO:0011485, OMIM 604777.

Allele frequency attached by ClinVar (database versions not stated): gnomAD 0.00621 and 0.00673; 1000 Genomes Project 0.00759; TOPMed 0.00712; 1000 Genomes Project 30x 0.00812.

Submissions (2):

Illumina Laboratory Services, Illumina
Classification: Benign for Autosomal recessive congenital ichthyosis 5. Last evaluated: 2018-01-12. Review status: criteria provided, single submitter. Criteria: ICSL Variant Classification Criteria 13 December 2019. Collection method: clinical testing. Allele origin: germline.
Comment: This variant was observed in the ICSL laboratory as part of a predisposition screen in an ostensibly healthy population. It had not been previously curated by ICSL or reported in the Human Gene Mutation Database (HGMD: prior to June 1st, 2018), and was therefore a candidate for classification through an automated scoring system. Utilizing variant allele frequency, disease prevalence and penetrance estimates, and inheritance mode, an automated score was calculated to assess if this variant is too frequent to cause the disease. Based on the score and internal cut-off values, a variant classified as benign is not then subjected to further curation. The score for this variant resulted in a classification of benign for this disease.

Breakthrough Genomics
Classification: Benign. Review status: criteria provided, single submitter. Criteria: ACMG Guidelines, 2015. Collection method: not provided. Allele origin: germline. Inheritance: Autosomal recessive inheritance. Affected: yes.

NM_173483.4(CYP4F22):c.*90C>A

Gene: CYP4F22 (cytochrome P450 family 4 subfamily F member 22; plus strand). Cytogenetic location: 19p13.12.
Variant type: single nucleotide variant.
Coding change: c.*90C>A on transcript NM_173483.4 (MANE Select); 90 bases downstream of the stop codon, C replaced by A.
Molecular consequence: 3 prime UTR variant.
Genome position (GRCh38, 1-based): chr19:15,551,561, C>A. VCF-style: chr19-15551561-C-A. GRCh37 (hg19) VCF-style: chr19-15662372-C-A.
Identifiers: ClinVar variation 328450 (VCV000328450.6), dbSNP rs76748339, ClinGen allele CA10651590.